The following is an entry in ClinVar:

ClinVar aggregate classification (germline): Uncertain significance. Review status: criteria provided, multiple submitters, no conflicts (2 of 4 stars). 2 submissions from 2 submitters: Uncertain significance (2). Last evaluated 2023-05-08.

Conditions:
C5AR1-related disorder. Also called: C5AR1-related condition.

Allele frequency attached by ClinVar (database versions not stated): gnomAD exomes 0.00002; gnomAD 0.00004; TOPMed 0.00004; ExAC 0.00007.
gnomAD v4.1: 30 of 1,613,998 alleles (0.0019%); highest among the groups gnomAD compares: Admixed American, 0.022%; no homozygotes.

Submissions (2):

PreventionGenetics, part of Exact Sciences
Classification: Uncertain significance for C5AR1-related condition. Last evaluated: 2023-05-08. Review status: criteria provided, single submitter. Criteria: ACMG Guidelines, 2015. Collection method: clinical testing. Allele origin: germline.
Comment: The C5AR1 c.316G>A variant is predicted to result in the amino acid substitution p.Gly106Arg. To our knowledge, this variant has not been reported in the literature. This variant is reported in 0.020% of alleles in individuals of Latino descent in gnomAD. At this time, the clinical significance of this variant is uncertain due to the absence of conclusive functional and genetic evidence.

Ambry Genetics
Classification: Uncertain significance. Last evaluated: 2021-07-14. Review status: criteria provided, single submitter. Criteria: Ambry Variant Classification Scheme 2023. Collection method: clinical testing. Allele origin: germline.

NM_001736.4(C5AR1):c.316G>A (p.Gly106Arg)

Gene: C5AR1 (complement C5a receptor 1; plus strand). Cytogenetic location: 19q13.32.
Variant type: single nucleotide variant.
Coding change: c.316G>A on transcript NM_001736.4 (MANE Select); coding-DNA position 316, G replaced by A.
Protein change: p.Gly106Arg; replaces glycine 106 with arginine.
Molecular consequence: missense variant.
Genome position (GRCh38, 1-based): chr19:47,320,093, G>A. VCF-style: chr19-47320093-G-A. GRCh37 (hg19) VCF-style: chr19-47823350-G-A.
Other names: short protein forms G106R.
Identifiers: ClinVar variation 2204214 (VCV002204214.3), dbSNP rs750171124, ClinGen allele CA9537163.